The following is an entry in ClinVar:

NM_001082538.3(TCTN1):c.316T>C (p.Ser106Pro)

Gene: TCTN1 (tectonic family member 1; plus strand). Cytogenetic location: 12q24.11.
Variant type: single nucleotide variant.
Coding change: c.316T>C on transcript NM_001082538.3 (MANE Select); coding-DNA position 316, T replaced by C.
Protein change: p.Ser106Pro; replaces serine 106 with proline.
Molecular consequence: missense variant. On other transcripts: 5 prime UTR variant (1), non-coding transcript variant (1).
Genome position (GRCh38, 1-based): chr12:110,619,931, T>C. VCF-style: chr12-110619931-T-C. GRCh37 (hg19) VCF-style: chr12-111057736-T-C.
Other names: c.316T>C, p.Ser106Pro (NM_001082537.3, NM_001319680.2, NM_024549.6); c.148T>C, p.Ser50Pro (NM_001173975.3, NM_001319682.3); c.136T>C, p.Ser46Pro (NM_001173976.2); c.-392T>C (NM_001319681.2); short protein forms S106P, S46P, S50P.
Identifiers: ClinVar variation 1713887 (VCV001713887.6), dbSNP rs2548796797, ClinGen allele CA386701478.

ClinVar aggregate classification (germline): Uncertain significance (1 of 4 stars; one submission).

Conditions:
Meckel-Gruber syndrome. Also called: DYSENCEPHALIA SPLANCHNOCYSTICA; GRUBER SYNDROME; Dysencephalia splachnocystica. Identifiers: Orphanet 564, MedGen C0265215, MONDO:0018921.
Joubert syndrome. Also called: CEREBELLOPARENCHYMAL DISORDER IV; JOUBERT-BOLTSHAUSER SYNDROME; Familial aplasia of the vermis. Identifiers: Orphanet 475, MedGen C5979921, MONDO:0018772.

Submission:

Labcorp Genetics (formerly Invitae), Labcorp
Classification: Uncertain significance for Joubert syndrome; Meckel-Gruber syndrome. Last evaluated: 2022-07-15. Review status: criteria provided, single submitter. Criteria: Invitae Variant Classification Sherloc (09022015). Collection method: clinical testing. Allele origin: germline.
Comment: This variant has not been reported in the literature in individuals affected with TCTN1-related conditions. This sequence change replaces serine, which is neutral and polar, with proline, which is neutral and non-polar, at codon 106 of the TCTN1 protein (p.Ser106Pro). This variant is not present in population databases (gnomAD no frequency). Algorithms developed to predict the effect of missense changes on protein structure and function are either unavailable or do not agree on the potential impact of this missense change (SIFT: "Deleterious"; PolyPhen-2: "Probably Damaging"; Align-GVGD: "Class C0"). In summary, the available evidence is currently insufficient to determine the role of this variant in disease. Therefore, it has been classified as a Variant of Uncertain Significance.